The following is an entry in ClinVar:

ClinVar aggregate classification (germline): Likely pathogenic (1 of 4 stars; one submission).

Conditions:
Hereditary spastic paraplegia. Also called: Familial spastic paraparesis. Identifiers: Orphanet 685, MedGen C0037773, MONDO:0019064. Disease mechanism: loss of function.

Submission:

University of Science and Technology Houari Boumediene, Laboratory of Molecular and Cellular Biology (LBCM)
Classification: Likely pathogenic for Hereditary spastic paraplegia. Review status: criteria provided, single submitter. Criteria: ACMG Guidelines, 2015. Collection method: research. Allele origin: biparental. Inheritance: Autosomal recessive inheritance. Affected: yes. Observed: 3 variant alleles, 3 homozygotes. Clinical features observed: Spastic tetraparesis (HP:0001285), Scoliosis (HP:0002650), Pes planus (HP:0001763), Urinary urgency (HP:0000012).
Comment: This homozygous missense variant leads to the substitution of a highly conserved isoleucine (found in 11 species) with threonine in the AAA domain of spastin. This variant is predicted to be disease-causing by standard in silico prediction tools (CADD, SIFT, PolyPhen-2, and MutationTaster), and is not reported in publicly available databases (1000 Genomes and gnomAD).

NM_014946.4(SPAST):c.1076T>C (p.Ile359Thr)

Gene: SPAST (spastin; plus strand). Cytogenetic location: 2p22.3.
Variant type: single nucleotide variant.
Coding change: c.1076T>C on transcript NM_014946.4 (MANE Select); coding-DNA position 1076, T replaced by C.
Protein change: p.Ile359Thr; replaces isoleucine 359 with threonine.
Molecular consequence: missense variant.
Genome position (GRCh38, 1-based): chr2:32,116,190, T>C. VCF-style: chr2-32116190-T-C. GRCh37 (hg19) VCF-style: chr2-32341259-T-C.
Other names: p.Ile359Thr; c.1073T>C, p.Ile358Thr (NM_001363823.2); c.977T>C, p.Ile326Thr (NM_001363875.2); c.980T>C, p.Ile327Thr (NM_001377959.1, NM_199436.2); short protein forms I358T, I326T, I359T, I327T.
Identifiers: ClinVar variation 3220857 (VCV003220857.2).